The following is an entry in ClinVar:

ClinVar aggregate classification (germline): Uncertain significance (1 of 4 stars; one submission).

Conditions:
Renal cell carcinoma. Identifiers: Orphanet 217071, MedGen C0007134, MeSH D002292, MONDO:0005086, HP:0005584.

Submission:

Labcorp Genetics (formerly Invitae), Labcorp
Classification: Uncertain significance for Renal cell carcinoma. Last evaluated: 2024-07-30. Review status: criteria provided, single submitter. Criteria: Invitae Variant Classification Sherloc (09022015). Collection method: clinical testing. Allele origin: germline.
Comment: This sequence change replaces isoleucine, which is neutral and non-polar, with threonine, which is neutral and polar, at codon 726 of the MET protein (p.Ile726Thr). This variant is not present in population databases (gnomAD no frequency). This variant has not been reported in the literature in individuals affected with MET-related conditions. Advanced modeling of protein sequence and biophysical properties (such as structural, functional, and spatial information, amino acid conservation, physicochemical variation, residue mobility, and thermodynamic stability) performed at Invitae indicates that this missense variant is expected to disrupt MET protein function with a positive predictive value of 80%. In summary, the available evidence is currently insufficient to determine the role of this variant in disease. Therefore, it has been classified as a Variant of Uncertain Significance.

NM_000245.4(MET):c.2177T>C (p.Ile726Thr)

Gene: MET (MET proto-oncogene, receptor tyrosine kinase; plus strand). Cytogenetic location: 7q31.2.
Variant type: single nucleotide variant.
Coding change: c.2177T>C on transcript NM_000245.4 (MANE Select); coding-DNA position 2177, T replaced by C.
Protein change: p.Ile726Thr; replaces isoleucine 726 with threonine.
Molecular consequence: missense variant.
Genome position (GRCh38, 1-based): chr7:116,758,533, T>C. VCF-style: chr7-116758533-T-C. GRCh37 (hg19) VCF-style: chr7-116398587-T-C.
Other names: c.2177T>C, p.Ile726Thr (NM_001127500.3, NM_001324401.3); c.887T>C, p.Ile296Thr (NM_001324402.2); short protein forms I296T, I726T.
Identifiers: ClinVar variation 3660931 (VCV003660931.2).